The following is an entry in ClinVar:

ClinVar aggregate classification (germline): Uncertain significance. Review status: criteria provided, multiple submitters, no conflicts (2 of 4 stars). 4 submissions from 4 submitters: Uncertain significance (4). Last evaluated 2025-07-02.

Conditions:
Arrhythmogenic right ventricular dysplasia 2. Identifiers: MedGen C1832931.
Catecholaminergic polymorphic ventricular tachycardia 1. Also called: VENTRICULAR TACHYCARDIA, CATECHOLAMINERGIC POLYMORPHIC, 1, WITH OR WITHOUT ATRIAL DYSFUNCTION AND/OR DILATED CARDIOMYOPATHY; RYR2-Related Catecholaminergic Polymorphic Ventricular Tachycardia; VENTRICULAR TACHYCARDIA, STRESS-INDUCED POLYMORPHIC 1. Identifiers: Orphanet 3286, MedGen C1631597, MONDO:0011484, OMIM 604772.
Ventricular arrhythmias due to cardiac ryanodine receptor calcium release deficiency syndrome. Also called: Autosomal dominant cardiac arrhythmia (Kuhn). Identifiers: MedGen C5542154, MONDO:0020745, OMIM 115000.
Cardiovascular phenotype. Identifiers: MedGen CN230736.
Cardiomyopathy (CMYO). Also called: Cardiomyopathies. Identifiers: Orphanet 167848, MedGen C0878544, MONDO:0004994, HP:0001638. Inheritance: Various modes of inheritance.

gnomAD v4.1: 16 of 1,613,606 alleles (0.00099%); highest among the groups gnomAD compares: Non-Finnish European, 0.0014%; no homozygotes.

Submissions (4):

Labcorp Genetics (formerly Invitae), Labcorp
Classification: Uncertain significance for Catecholaminergic polymorphic ventricular tachycardia 1. Last evaluated: 2025-07-02. Review status: criteria provided, single submitter. Criteria: Invitae Variant Classification Sherloc (09022015). Collection method: clinical testing. Allele origin: germline.
Comment: This sequence change replaces arginine, which is basic and polar, with leucine, which is neutral and non-polar, at codon 520 of the RYR2 protein (p.Arg520Leu). This variant is not present in population databases (gnomAD no frequency). This variant has not been reported in the literature in individuals affected with RYR2-related conditions. ClinVar contains an entry for this variant (Variation ID: 918729). Invitae Evidence Modeling of protein sequence and biophysical properties (such as structural, functional, and spatial information, amino acid conservation, physicochemical variation, residue mobility, and thermodynamic stability) indicates that this missense variant is not expected to disrupt RYR2 protein function with a negative predictive value of 95%. In summary, the available evidence is currently insufficient to determine the role of this variant in disease. Therefore, it has been classified as a Variant of Uncertain Significance.

Fulgent Genetics
Classification: Uncertain significance for Ventricular arrhythmias due to cardiac ryanodine receptor calcium release deficiency syndrome; Catecholaminergic polymorphic ventricular tachycardia 1. Last evaluated: 2021-07-13. Review status: criteria provided, single submitter. Criteria: ACMG Guidelines, 2015. Collection method: clinical testing. Allele origin: unknown.

Color Diagnostics, LLC DBA Color Health
Classification: Uncertain significance for Cardiomyopathy. Last evaluated: 2019-10-08. Review status: criteria provided, single submitter. Criteria: ACMG Guidelines, 2015. Collection method: clinical testing. Allele origin: germline.
Comment: This missense variant replaces arginine with leucine at codon 520 of the RYR2 protein. Computational prediction tool is inconclusive regarding the impact of this variant on protein structure and function (internally defined REVEL score threshold 0.5 < inconclusive < 0.7, PMID: 27666373). Splice site prediction tools suggest that this variant may not impact RNA splicing. To our knowledge, functional studies have not been performed for this variant. This variant has not been reported in individuals affected with cardiovascular disorders in the literature. This variant has not been identified in the general population by the Genome Aggregation Database (gnomAD). The available evidence is insufficient to determine the role of this variant in disease conclusively. Therefore, this variant is classified as a Variant of Uncertain Significance.

Ambry Genetics
Classification: Uncertain significance for Cardiovascular phenotype. Last evaluated: 2019-09-04. Review status: criteria provided, single submitter. Criteria: Ambry Variant Classification Scheme 2023. Collection method: clinical testing. Allele origin: germline.
Comment: The p.R520L variant (also known as c.1559G>T), located in coding exon 16 of the RYR2 gene, results from a G to T substitution at nucleotide position 1559. The arginine at codon 520 is replaced by leucine, an amino acid with dissimilar properties. This alteration has been reported in a hypertrophic cardiomyopathy (HCM) cohort; however, clinical details were limited (Lopes LR et al. Heart, 2015 Feb;101:294-301). This amino acid position is not well conserved in available vertebrate species. In addition, the in silico prediction for this alteration is inconclusive. Since supporting evidence is limited at this time, the clinical significance of this alteration remains unclear.

Literature cited by the submitters: PubMed 25351510 (cited by Ambry Genetics).

NM_001035.3(RYR2):c.1559G>T (p.Arg520Leu)

Gene: RYR2 (ryanodine receptor 2; plus strand). Cytogenetic location: 1q43.
Variant type: single nucleotide variant.
Coding change: c.1559G>T on transcript NM_001035.3 (MANE Select); coding-DNA position 1559, G replaced by T.
Protein change: p.Arg520Leu; replaces arginine 520 with leucine.
Molecular consequence: missense variant.
Genome position (GRCh38, 1-based): chr1:237,456,682, G>T. VCF-style: chr1-237456682-G-T. GRCh37 (hg19) VCF-style: chr1-237619982-G-T.
Other names: c.1559G>T (NM_001035.2); short protein forms R520L.
Identifiers: ClinVar variation 918729 (VCV000918729.7), dbSNP rs564957172, ClinGen allele CA345381722.
Genomic context (GRCh38, chr1:237,456,682, plus strand): 5'-AGTGCATAGACCGTTTGCACGTCTACAGCAGTGCAGCACACTTTGCTGATGTTGCTGGGC[G>T]AGAAGCAGGAGAGTCTTGGAAATCCATTCTGAATTCTCTGTATGAGTTGCTGGGTAAGAA-3'
Protein context (NP_001026.2, residues 510-530): SAAHFADVAG[Arg520Leu]EAGESWKSIL